The following is an entry in ClinVar:

NM_017654.4(SAMD9):c.257C>T (p.Ser86Phe)

Gene: SAMD9 (sterile alpha motif domain containing 9; minus strand). Cytogenetic location: 7q21.2.
Variant type: single nucleotide variant.
Coding change: c.257C>T on transcript NM_017654.4 (MANE Select); coding-DNA position 257, C replaced by T.
Protein change: p.Ser86Phe; replaces serine 86 with phenylalanine.
Molecular consequence: missense variant.
Genome position (GRCh38, 1-based): chr7:93,105,841, G>A on the plus strand (C>T on the coding strand, the complement: SAMD9 is on the minus strand). VCF-style: chr7-93105841-G-A. GRCh37 (hg19) VCF-style: chr7-92735154-G-A.
Other names: p.Ser86Phe; c.257C>T, p.Ser86Phe (NM_001193307.2); short protein forms S86F.
Identifiers: ClinVar variation 782110 (VCV000782110.47), dbSNP rs147157740, ClinGen allele CA4343179.

ClinVar aggregate classification (germline): Benign/Likely benign. Review status: criteria provided, multiple submitters, no conflicts (2 of 4 stars). 10 submissions from 10 submitters: Benign (4); Likely benign (5). 1 of the submissions does not count toward it. Last evaluated 2026-02-02.

Conditions:
Normophosphatemic familial tumoral calcinosis. Also called: CALCINOSIS, TUMORAL, WITH NORMOPHOSPHATEMIA. Identifiers: Orphanet 306658, Orphanet 53715, MedGen C1864861, MONDO:0012502, OMIM 610455.
MIRAGE syndrome. Also called: MYELODYSPLASIA, INFECTION, RESTRICTION OF GROWTH, ADRENAL HYPOPLASIA, GENITAL PHENOTYPES, AND ENTEROPATHY. Identifiers: Orphanet 494433, MedGen C4284088, MONDO:0014888, OMIM 617053.
Monosomy 7 myelodysplasia and leukemia syndrome 2. Identifiers: MedGen C5436668, MONDO:0030801, OMIM 619041.
SAMD9-related disorder. Also called: SAMD9-related condition.

Allele frequency attached by ClinVar (database versions not stated): 1000 Genomes Project 30x 0.00297; 1000 Genomes Project 0.00300; ExAC 0.00390; gnomAD exomes 0.00424; gnomAD 0.00425 and 0.00428; TOPMed 0.00470; ESP Exome Variant Server 0.00500.
gnomAD v4.1: 9,450 of 1,614,058 alleles (0.59%); highest among the groups gnomAD compares: Non-Finnish European, 0.71%; 36 homozygotes.

Submissions (10):

Labcorp Genetics (formerly Invitae), Labcorp
Classification: Benign. Last evaluated: 2026-02-02. Review status: criteria provided, single submitter. Criteria: Invitae Variant Classification Sherloc (09022015). Collection method: clinical testing. Allele origin: germline.

CeGaT Center for Human Genetics Tuebingen
Classification: Likely benign. Last evaluated: 2026-02-01. Review status: criteria provided, single submitter. Criteria: CeGaT Center For Human Genetics Tuebingen Variant Classification Criteria Version 2. Collection method: clinical testing. Allele origin: germline. Affected: yes. Observed: 10 variant alleles.
Comment: SAMD9: BP4, BS2

Mayo Clinic Laboratories, Mayo Clinic
Classification: Likely benign. Last evaluated: 2025-10-08. Review status: criteria provided, single submitter. Criteria: ACMG Guidelines, 2015. Collection method: clinical testing. Allele origin: germline. Observed: 1 variant allele.
Comment: BS1, BP4_moderate

ARUP Laboratories, Molecular Genetics and Genomics, ARUP Laboratories
Classification: Likely benign. Last evaluated: 2025-07-30. Review status: criteria provided, single submitter. Criteria: ARUP Molecular Germline Variant Investigation Process 2024. Collection method: clinical testing. Allele origin: germline.

Blueprint Genetics
Classification: Likely benign. Last evaluated: 2024-11-25. Review status: criteria provided, single submitter. Criteria: ACMG Guidelines, 2015. Collection method: clinical testing. Allele origin: germline.

Department of Pathology and Laboratory Medicine, Sinai Health System
Classification: Likely benign for Normophosphatemic familial tumoral calcinosis; MIRAGE syndrome; Monosomy 7 myelodysplasia and leukemia syndrome 2. Last evaluated: 2021-07-30. Review status: criteria provided, single submitter. Criteria: ACMG Guidelines, 2015. Collection method: research. Allele origin: germline.

Genetic Services Laboratory, University of Chicago
Classification: Benign. Last evaluated: 2021-06-14. Review status: criteria provided, single submitter. Criteria: ACMG Guidelines, 2015. Collection method: clinical testing. Allele origin: germline. Affected: no.

GeneDx
Classification: Benign. Last evaluated: 2020-01-24. Review status: criteria provided, single submitter. Criteria: GeneDx Variant Classification Process June 2021. Collection method: clinical testing. Allele origin: germline. Affected: yes.

Breakthrough Genomics
Classification: Benign. Review status: criteria provided, single submitter. Criteria: ACMG Guidelines, 2015. Collection method: not provided. Allele origin: germline. Inheritance: Autosomal recessive inheritance. Affected: yes.

PreventionGenetics, part of Exact Sciences
Classification: Likely benign for SAMD9-related condition. Last evaluated: 2019-11-19. Review status: no assertion criteria provided. Collection method: clinical testing. Allele origin: germline. Not counted in ClinVar's aggregate classification.
Comment: This variant is classified as likely benign based on ACMG/AMP sequence variant interpretation guidelines (Richards et al. 2015 PMID: 25741868, with internal and published modifications).